The following is an entry in ClinVar:

ClinVar aggregate classification (germline): Uncertain significance (1 of 4 stars; one submission).

Conditions:
Hereditary spastic paraplegia 63. Also called: Spastic paraplegia 63, autosomal recessive. Identifiers: Orphanet 401805, MedGen C3810295, MONDO:0014305, OMIM 615686.
Pontocerebellar hypoplasia type 9. Identifiers: Orphanet 369920, MedGen C4014354, MONDO:0014351, OMIM 615809.

Allele frequency attached by ClinVar (database versions not stated): TOPMed 0.00001; gnomAD 0.00011; 1000 Genomes Project 0.00120; 1000 Genomes Project 30x 0.00156.
gnomAD v4.1: 171 of 1,614,030 alleles (0.011%); highest among the groups gnomAD compares: South Asian, 0.17%; no homozygotes.

Submission:

Labcorp Genetics (formerly Invitae), Labcorp
Classification: Uncertain significance for Pontocerebellar hypoplasia type 9; Hereditary spastic paraplegia 63. Last evaluated: 2022-05-04. Review status: criteria provided, single submitter. Criteria: Invitae Variant Classification Sherloc (09022015). Collection method: clinical testing. Allele origin: germline.
Comment: This sequence change replaces valine, which is neutral and non-polar, with isoleucine, which is neutral and non-polar, at codon 359 of the AMPD2 protein (p.Val359Ile). This variant is present in population databases (rs553822688, gnomAD 0.2%). This variant has not been reported in the literature in individuals affected with AMPD2-related conditions. Algorithms developed to predict the effect of missense changes on protein structure and function (SIFT, PolyPhen-2, Align-GVGD) all suggest that this variant is likely to be tolerated. In summary, the available evidence is currently insufficient to determine the role of this variant in disease. Therefore, it has been classified as a Variant of Uncertain Significance.

NM_001368809.2(AMPD2):c.913G>A (p.Val305Ile)

Gene: AMPD2 (adenosine monophosphate deaminase 2; plus strand). Cytogenetic location: 1p13.3.
Variant type: single nucleotide variant.
Coding change: c.913G>A on transcript NM_001368809.2 (MANE Select); coding-DNA position 913, G replaced by A.
Protein change: p.Val305Ile; replaces valine 305 with isoleucine.
Molecular consequence: missense variant.
Genome position (GRCh38, 1-based): chr1:109,627,481, G>A. VCF-style: chr1-109627481-G-A. GRCh37 (hg19) VCF-style: chr1-110170103-G-A.
Other names: c.1075G>A, p.Val359Ile (NM_001257360.2); c.721G>A, p.Val241Ile (NM_001257361.2); c.850G>A, p.Val284Ile (NM_001308170.1); c.913G>A, p.Val305Ile (NM_004037.9); c.832G>A, p.Val278Ile (NM_139156.4); short protein forms V278I, V284I, V359I, V305I, V241I.
Identifiers: ClinVar variation 1939719 (VCV001939719.3), dbSNP rs553822688, ClinGen allele CA992965.